The following is an entry in ClinVar:

NM_000230.3(LEP):c.107A>G (p.Lys36Arg)

Gene: LEP (leptin; plus strand). Cytogenetic location: 7q32.1.
Variant type: single nucleotide variant.
Coding change: c.107A>G on transcript NM_000230.3 (MANE Select); coding-DNA position 107, A replaced by G.
Protein change: p.Lys36Arg; replaces lysine 36 with arginine.
Molecular consequence: missense variant.
Genome position (GRCh38, 1-based): chr7:128,252,125, A>G. VCF-style: chr7-128252125-A-G. GRCh37 (hg19) VCF-style: chr7-127892178-A-G.
Other names: short protein forms K36R.
Identifiers: ClinVar variation 3353500 (VCV003353500.1).

ClinVar aggregate classification (germline): Uncertain significance (0 of 4 stars; one submission).

Conditions:
LEP-related disorder. Also called: LEP-related condition.

gnomAD v4.1: 36 of 1,614,236 alleles (0.0022%); highest among the groups gnomAD compares: African/African-American, 0.027%; 1 homozygote.

Submission:

PreventionGenetics, part of Exact Sciences
Classification: Uncertain significance for LEP-related condition. Last evaluated: 2024-04-30. Review status: no assertion criteria provided. Collection method: clinical testing. Allele origin: germline.
Comment: The LEP c.107A>G variant is predicted to result in the amino acid substitution p.Lys36Arg. This variant was reported in an individual with obesity and decreased serum leptin level (Manju et al. 2022. PubMed ID: 36619235). This variant was also documented in controls and individuals with obesity in a case-control study, and the association of this variant to obesity was inconclusive (Yako et al. 2011. PubMed ID: 21921635). This variant is reported in 0.012% of alleles in individuals of African descent in gnomAD. At this time, the clinical significance of this variant is uncertain due to the absence of conclusive functional and genetic evidence.